The following is an entry in ClinVar:

ClinVar aggregate classification (germline): Uncertain significance (1 of 4 stars; one submission).

Conditions:
Developmental and epileptic encephalopathy, 67. Also called: EPILEPTIC ENCEPHALOPATHY, EARLY INFANTILE, 67. Identifiers: MedGen C4748341, MONDO:0029138, OMIM 618141.

Submission:

Victorian Clinical Genetics Services, Murdoch Childrens Research Institute
Classification: Uncertain significance for Developmental and epileptic encephalopathy, 67. Last evaluated: 2022-02-02. Review status: criteria provided, single submitter. Criteria: ACMG Guidelines, 2015. Collection method: clinical testing. Allele origin: germline. Inheritance: Autosomal dominant inheritance.
Comment: Based on the classification scheme VCGS_Germline_v1.3.4, this variant is classified as VUS-3C. Following criteria are met: 0105 - The mechanism of disease for this gene is not clearly established. (I) 0107 - This gene is associated with autosomal dominant disease. (I) 0200 - Variant is predicted to result in a missense amino acid change from alanine to valine. (I) 0251 - This variant is heterozygous. (I) 0301 - Variant is absent from gnomAD (both v2 and v3). (SP) 0503 - Missense variant consistently predicted to be tolerated by multiple in silico tools or not conserved in placental mammals with a minor amino acid change. (SB) 0604 - Variant is not located in an established domain, motif, hotspot or informative constraint region. (I) 0705 - No comparable missense variants have previous evidence for pathogenicity. (I) 0807 - This variant has no previous evidence of pathogenicity. (I) 0905 - No published segregation evidence has been identified for this variant. (I) 1007 - No published functional evidence has been identified for this variant. (I) 1208 - Inheritance information for this variant is not currently available in this individual. (I) Legend: (SP) - Supporting pathogenic, (I) - Information, (SB) - Supporting benign

NM_015267.4(CUX2):c.1571C>T (p.Ala524Val)

Gene: CUX2 (cut like homeobox 2; plus strand). Cytogenetic location: 12q24.12.
Variant type: single nucleotide variant.
Coding change: c.1571C>T on transcript NM_015267.4 (MANE Select); coding-DNA position 1571, C replaced by T.
Protein change: p.Ala524Val; replaces alanine 524 with valine.
Molecular consequence: missense variant.
Genome position (GRCh38, 1-based): chr12:111,310,353, C>T. VCF-style: chr12-111310353-C-T. GRCh37 (hg19) VCF-style: chr12-111748157-C-T.
Other names: c.1385C>T, p.Ala462Val (NM_001370598.1); short protein forms A462V, A524V.
Identifiers: ClinVar variation 1805119 (VCV001805119.1), dbSNP rs2499832749, ClinGen allele CA386709443.